The following is an entry in ClinVar:

ClinVar aggregate classification (germline): Likely pathogenic (1 of 4 stars; one submission).

Conditions:
Neuropathy, congenital hypomyelinating, 3. Identifiers: MedGen C4748608, MONDO:0020766, OMIM 618186.
Lethal congenital contracture syndrome 7 (LCCS7). Identifiers: MedGen C4225386, MONDO:0014569, OMIM 616286.

gnomAD v4.1: 1 of 1,613,936 alleles (0.000062%); highest among the groups gnomAD compares: East Asian, 0.0022%; no homozygotes.

Submission:

Juno Genomics, Hangzhou Juno Genomics, Inc
Classification: Likely pathogenic for Neuropathy, congenital hypomyelinating, 3; Lethal congenital contracture syndrome 7. Review status: criteria provided, single submitter. Criteria: ACMG Guidelines, 2015. Collection method: clinical testing. Allele origin: germline.
Comment: Absent from controls (or at extremely low frequency if recessive) in Genome Aggregation Database.;Null variant in a gene where loss of function (LOF) is a known mechanism of disease.

NM_003632.3(CNTNAP1):c.1699G>T (p.Glu567Ter)

Gene: CNTNAP1 (contactin associated protein 1; plus strand). Cytogenetic location: 17q21.2.
Variant type: single nucleotide variant.
Coding change: c.1699G>T on transcript NM_003632.3 (MANE Select); coding-DNA position 1699, G replaced by T.
Protein change: p.Glu567Ter; replaces glutamic acid 567 with a stop codon.
Molecular consequence: nonsense.
Genome position (GRCh38, 1-based): chr17:42,689,591, G>T. VCF-style: chr17-42689591-G-T. GRCh37 (hg19) VCF-style: chr17-40841609-G-T.
Other names: short protein forms E567*.
Identifiers: ClinVar variation 5018782 (VCV005018782.2).
Genomic context (GRCh38, chr17:42,689,591, plus strand): 5'-AACATGTGTGAGCATGATGGACGCTGCTACCAGTCTTGGGATGACTTCATTTGCTACTGC[G>T]AACTGACGGGCTACAAGGGAGAGACCTGCCACACACGTAAGCCAGATGTGGTATGGGGGG-3'